The following is an entry in ClinVar:

ClinVar aggregate classification (germline): Uncertain significance (1 of 4 stars; one submission).

Submission:

Labcorp Genetics (formerly Invitae), Labcorp
Classification: Uncertain significance. Last evaluated: 2021-02-28. Review status: criteria provided, single submitter. Criteria: Invitae Variant Classification Sherloc (09022015). Collection method: clinical testing. Allele origin: germline.
Comment: This sequence change replaces histidine with glutamine at codon 614 of the MSH3 protein (p.His614Gln). The histidine residue is moderately conserved and there is a small physicochemical difference between histidine and glutamine. This variant is not present in population databases (ExAC no frequency). This variant has not been reported in the literature in individuals with MSH3-related conditions. In summary, the available evidence is currently insufficient to determine the role of this variant in disease. Therefore, it has been classified as a Variant of Uncertain Significance. Algorithms developed to predict the effect of missense changes on protein structure and function output the following: SIFT: "Tolerated"; PolyPhen-2: "Benign"; Align-GVGD: "Class C0". The glutamine amino acid residue is found in multiple mammalian species, suggesting that this missense change does not adversely affect protein function. These predictions have not been confirmed by published functional studies and their clinical significance is uncertain.

NM_002439.5(MSH3):c.1842T>G (p.His614Gln)

Gene: MSH3 (mutS homolog 3; plus strand). Cytogenetic location: 5q14.1.
Variant type: single nucleotide variant.
Coding change: c.1842T>G on transcript NM_002439.5 (MANE Select); coding-DNA position 1842, T replaced by G.
Protein change: p.His614Gln; replaces histidine 614 with glutamine.
Molecular consequence: missense variant.
Genome position (GRCh38, 1-based): chr5:80,761,624, T>G. VCF-style: chr5-80761624-T-G. GRCh37 (hg19) VCF-style: chr5-80057443-T-G.
Other names: short protein forms H614Q.
Identifiers: ClinVar variation 1469105 (VCV001469105.8), dbSNP rs2112879969, ClinGen allele CA360276632.